The following is an entry in ClinVar:

NM_001123385.2(BCOR):c.3801C>G (p.Asn1267Lys)

Gene: BCOR (BCL6 corepressor; minus strand). Cytogenetic location: Xp11.4.
Variant type: single nucleotide variant.
Coding change: c.3801C>G on transcript NM_001123385.2 (MANE Select); coding-DNA position 3801, C replaced by G.
Protein change: p.Asn1267Lys; replaces asparagine 1267 with lysine.
Molecular consequence: missense variant.
Genome position (GRCh38, 1-based): chrX:40,063,654, G>C on the plus strand (C>G on the coding strand, the complement: BCOR is on the minus strand). VCF-style: chrX-40063654-G-C. GRCh37 (hg19) VCF-style: chrX-39922907-G-C.
Other names: NC_000023.10:g.39922907G>C; c.3699C>G, p.Asn1233Lys (NM_001123383.2, NM_017745.6); c.3645C>G, p.Asn1215Lys (NM_001123384.2); short protein forms N1215K, N1233K, N1267K.
Identifiers: ClinVar variation 3030235 (VCV003030235.3), dbSNP rs2147050721, ClinGen allele CA412738050.

ClinVar aggregate classification (germline): Likely benign (0 of 4 stars; one submission).

Conditions:
BCOR-related disorder. Also called: BCOR-related condition; BCOR-related disorders.

Submissions (2):

PreventionGenetics, part of Exact Sciences
Classification: Likely benign for BCOR-related condition. Last evaluated: 2021-02-17. Review status: no assertion criteria provided. Collection method: clinical testing. Allele origin: germline.
Comment: This variant is classified as likely benign based on ACMG/AMP sequence variant interpretation guidelines (Richards et al. 2015 PMID: 25741868, with internal and published modifications).

Dr. Peter K. Rogan Lab, Western University
No classification provided (evidence only). Condition: Thyroid cancer, nonmedullary, 1. Review status: no classification provided. Collection method: in vitro. Allele origin: not applicable. Functional consequence: retained intron. Not counted in ClinVar's aggregate classification.